The following is an entry in ClinVar:

NM_004252.5(NHERF1):c.627G>A (p.Gly209=)

Gene: NHERF1 (NHERF family PDZ scaffold protein 1; plus strand). Cytogenetic location: 17q25.1.
Variant type: single nucleotide variant.
Coding change: c.627G>A on transcript NM_004252.5 (MANE Select); coding-DNA position 627, G replaced by A.
Protein change: p.Gly209=; no amino-acid change (glycine 209 retained).
Molecular consequence: synonymous variant.
Genome position (GRCh38, 1-based): chr17:74,763,390, G>A. VCF-style: chr17-74763390-G-A. GRCh37 (hg19) VCF-style: chr17-72759529-G-A.
Other names: p.Gly209=.
Identifiers: ClinVar variation 731308 (VCV000731308.46), dbSNP rs41282067, ClinGen allele CA8750672.
Genomic context (GRCh38, chr17:74,763,390, plus strand): 5'-CCTGTGTCCGTAACGCCTCCCCGACCCTGCCCTGCAGGTGAACGGGGTCTGCATGGAGGG[G>A]AAGCAGCATGGGGACGTGGTGTCCGCCATCAGGGCTGGCGGGGACGAGACCAAGCTGCTG-3'
Protein context (NP_004243.1, residues 199-219): IVEVNGVCME[Gly209=]KQHGDVVSAI

ClinVar aggregate classification (germline): Benign/Likely benign. Review status: criteria provided, multiple submitters, no conflicts (2 of 4 stars). 5 submissions from 5 submitters: Benign (2); Likely benign (3). Last evaluated 2026-01-05.

Allele frequency attached by ClinVar (database versions not stated): 1000 Genomes Project 0.00160; 1000 Genomes Project 30x 0.00172; ESP Exome Variant Server 0.00446; gnomAD exomes 0.00468; gnomAD 0.00470 and 0.00490; ExAC 0.00500; TOPMed 0.00501.
gnomAD v4.1: 9,972 of 1,614,112 alleles (0.62%); highest among the groups gnomAD compares: Non-Finnish European, 0.76%; 49 homozygotes.

Submissions (5):

Labcorp Genetics (formerly Invitae), Labcorp
Classification: Benign. Last evaluated: 2026-01-05. Review status: criteria provided, single submitter. Criteria: Invitae Variant Classification Sherloc (09022015). Collection method: clinical testing. Allele origin: germline.

Mayo Clinic Laboratories, Mayo Clinic
Classification: Likely benign. Last evaluated: 2025-02-10. Review status: criteria provided, single submitter. Criteria: ACMG Guidelines, 2015. Collection method: clinical testing. Allele origin: germline. Observed: 1 variant allele.
Comment: BP4, BP7

Blueprint Genetics
Classification: Likely benign. Last evaluated: 2024-11-25. Review status: criteria provided, single submitter. Criteria: ACMG Guidelines, 2015. Collection method: clinical testing. Allele origin: germline.

CeGaT Center for Human Genetics Tuebingen
Classification: Benign. Last evaluated: 2023-12-01. Review status: criteria provided, single submitter. Criteria: CeGaT Center For Human Genetics Tuebingen Variant Classification Criteria Version 2. Collection method: clinical testing. Allele origin: germline. Affected: yes. Observed: 9 variant alleles.
Comment: NHERF1: BP4, BP7, BS1, BS2

GeneDx
Classification: Likely benign. Last evaluated: 2020-06-15. Review status: criteria provided, single submitter. Criteria: GeneDx Variant Classification Process June 2021. Collection method: clinical testing. Allele origin: germline. Affected: yes.
Comment: This variant is associated with the following publications: (PMID: 32637632)

Literature cited by the submitters: PubMed 32637632 (cited by Mayo Clinic Laboratories, Mayo Clinic).